The following is an entry in ClinVar:

ClinVar aggregate classification (germline): Uncertain significance (1 of 4 stars; one submission).

Conditions:
Diamond-Blackfan anemia. Also called: Blackfan Diamond syndrome; Aregenerative anemia chronic congenital; Red cell aplasia, pure hereditary; Congenital hypoplastic anemia; Aase syndrome. Identifiers: Orphanet 124, MedGen C1260899, MeSH D029503, MONDO:0015253, HP:0004810.

Allele frequency attached by ClinVar (database versions not stated): ExAC 0.00001; gnomAD 0.00002; gnomAD exomes 0.00001; TOPMed 0.00003.
gnomAD v4.1: 10 of 1,612,210 alleles (0.00062%); highest among the groups gnomAD compares: African/African-American, 0.0067%; no homozygotes.

Submission:

Labcorp Genetics (formerly Invitae), Labcorp
Classification: Uncertain significance for Diamond-Blackfan anemia. Last evaluated: 2023-12-26. Review status: criteria provided, single submitter. Criteria: Invitae Variant Classification Sherloc (09022015). Collection method: clinical testing. Allele origin: germline.
Comment: This sequence change replaces asparagine, which is neutral and polar, with serine, which is neutral and polar, at codon 111 of the RPL5 protein (p.Asn111Ser). This variant is present in population databases (rs757337697, gnomAD 0.009%). This variant has not been reported in the literature in individuals affected with RPL5-related conditions. Advanced modeling of protein sequence and biophysical properties (such as structural, functional, and spatial information, amino acid conservation, physicochemical variation, residue mobility, and thermodynamic stability) performed at Invitae indicates that this missense variant is not expected to disrupt RPL5 protein function with a negative predictive value of 80%. In summary, the available evidence is currently insufficient to determine the role of this variant in disease. Therefore, it has been classified as a Variant of Uncertain Significance.

NM_000969.5(RPL5):c.332A>G (p.Asn111Ser)

Genes: DIPK1A (divergent protein kinase domain 1A; minus strand), RPL5 (ribosomal protein L5; plus strand). Cytogenetic location: 1p22.1.
Variant type: single nucleotide variant.
Coding change: c.332A>G on transcript NM_000969.5 (MANE Select); coding-DNA position 332, A replaced by G.
Protein change: p.Asn111Ser; replaces asparagine 111 with serine.
Molecular consequence: missense variant. On other transcripts: intron variant (1).
Genome position (GRCh38, 1-based): chr1:92,836,197, A>G. VCF-style: chr1-92836197-A-G. GRCh37 (hg19) VCF-style: chr1-93301754-A-G.
Other names: c.475-3163T>C (NM_001252273.2); short protein forms N111S.
Identifiers: ClinVar variation 2751098 (VCV002751098.3), dbSNP rs757337697, ClinGen allele CA952450.
Genomic context (GRCh38, chr1:92,836,197, plus strand): 5'-TTTAGAGCAGTTTGAATAATTGAAACCAGCATTTACATTGGTTTCTTGAATAGCTTCTCA[A>G]TAGGTTTGGCATGGACAAGATCTATGAAGGCCAAGTGGAGGTGACTGGTGATGAATACAA-3'
Protein context (NP_000960.2, residues 101-121): TGLLLARRLL[Asn111Ser]RFGMDKIYEG